The following is an entry in ClinVar:

ClinVar aggregate classification (germline): Uncertain significance (1 of 4 stars; one submission).

Allele frequency attached by ClinVar (database versions not stated): gnomAD exomes below 0.00001; TOPMed below 0.00001.
gnomAD v4.1: 2 of 1,614,042 alleles (0.00012%); highest among the groups gnomAD compares: African/African-American, 0.0027%; no homozygotes.

Submission:

Labcorp Genetics (formerly Invitae), Labcorp
Classification: Uncertain significance. Last evaluated: 2022-07-13. Review status: criteria provided, single submitter. Criteria: Invitae Variant Classification Sherloc (09022015). Collection method: clinical testing. Allele origin: germline.
Comment: In summary, the available evidence is currently insufficient to determine the role of this variant in disease. Therefore, it has been classified as a Variant of Uncertain Significance. Algorithms developed to predict the effect of missense changes on protein structure and function are either unavailable or do not agree on the potential impact of this missense change (SIFT: "Tolerated"; PolyPhen-2: "Probably Damaging"; Align-GVGD: "Class C0"). This variant has not been reported in the literature in individuals affected with SCN3A-related conditions. This variant is not present in population databases (gnomAD no frequency). This sequence change replaces tyrosine, which is neutral and polar, with cysteine, which is neutral and slightly polar, at codon 1362 of the SCN3A protein (p.Tyr1362Cys).

NM_006922.4(SCN3A):c.4085A>G (p.Tyr1362Cys)

Gene: SCN3A (sodium voltage-gated channel alpha subunit 3; minus strand). Cytogenetic location: 2q24.3.
Variant type: single nucleotide variant.
Coding change: c.4085A>G on transcript NM_006922.4 (MANE Select); coding-DNA position 4085, A replaced by G.
Protein change: p.Tyr1362Cys; replaces tyrosine 1362 with cysteine.
Molecular consequence: missense variant.
Genome position (GRCh38, 1-based): chr2:165,097,406, T>C on the plus strand (A>G on the coding strand, the complement: SCN3A is on the minus strand). VCF-style: chr2-165097406-T-C. GRCh37 (hg19) VCF-style: chr2-165953916-T-C.
Other names: c.3938A>G, p.Tyr1313Cys (NM_001081676.2, NM_001081677.2); short protein forms Y1313C, Y1362C.
Identifiers: ClinVar variation 2016620 (VCV002016620.4), dbSNP rs1685408901, ClinGen allele CA349025625.
Genomic context (GRCh38, chr2:165,097,406, plus strand): 5'-CTCAAATTGTTAACATCACTAATGTCAAACATGTTACCCGTTGTCATGTTAACACAGTGG[T>C]AGAACTTGCCAGCAAACAAATTCACACCCATGATGCTAAAGATCAACCAGAAGATGAGAC-3'
Protein context (NP_008853.3, residues 1352-1372): MGVNLFAGKF[Tyr1362Cys]HCVNMTTGNM